The following is an entry in ClinVar:

ClinVar aggregate classification (germline): Likely benign. Review status: criteria provided, multiple submitters, no conflicts (2 of 4 stars). 2 submissions from 2 submitters: Likely benign (2). Last evaluated 2025-06-13.

Allele frequency attached by ClinVar (database versions not stated): gnomAD exomes 0.00001; ExAC 0.00002; gnomAD 0.00005; ESP Exome Variant Server 0.00008.
gnomAD v4.1: 27 of 1,613,520 alleles (0.0017%); highest among the groups gnomAD compares: African/African-American, 0.013%; no homozygotes.

Submissions (2):

Mayo Clinic Laboratories, Mayo Clinic
Classification: Likely benign. Last evaluated: 2025-06-13. Review status: criteria provided, single submitter. Criteria: ACMG Guidelines, 2015. Collection method: clinical testing. Allele origin: germline. Observed: 1 variant allele.
Comment: BS2, BP4, BP7

Labcorp Genetics (formerly Invitae), Labcorp
Classification: Likely benign. Last evaluated: 2024-09-14. Review status: criteria provided, single submitter. Criteria: Invitae Variant Classification Sherloc (09022015). Collection method: clinical testing. Allele origin: germline.

NM_003470.3(USP7):c.2346C>T (p.Thr782=)

Gene: USP7 (ubiquitin specific peptidase 7; minus strand). Cytogenetic location: 16p13.2.
Variant type: single nucleotide variant.
Coding change: c.2346C>T on transcript NM_003470.3 (MANE Select); coding-DNA position 2346, C replaced by T.
Protein change: p.Thr782=; no amino-acid change (threonine 782 retained).
Molecular consequence: synonymous variant. On other transcripts: non-coding transcript variant (1).
Genome position (GRCh38, 1-based): chr16:8,899,721, G>A on the plus strand (C>T on the coding strand, the complement: USP7 is on the minus strand). VCF-style: chr16-8899721-G-A. GRCh37 (hg19) VCF-style: chr16-8993578-G-A.
Other names: p.Thr782=; c.2298C>T, p.Thr766= (NM_001286457.2); c.2049C>T, p.Thr683= (NM_001286458.2); c.2172C>T, p.Thr724= (NM_001321858.2).
Identifiers: ClinVar variation 2874303 (VCV002874303.4), dbSNP rs372148483, ClinGen allele CA7895056.